The following is an entry in ClinVar:

NM_000214.3(JAG1):c.805C>T (p.Pro269Ser)

Gene: JAG1 (jagged canonical Notch ligand 1; minus strand). Cytogenetic location: 20p12.2.
Variant type: single nucleotide variant.
Coding change: c.805C>T on transcript NM_000214.3 (MANE Select); coding-DNA position 805, C replaced by T.
Protein change: p.Pro269Ser; replaces proline 269 with serine.
Molecular consequence: missense variant.
Genome position (GRCh38, 1-based): chr20:10,652,549, G>A on the plus strand (C>T on the coding strand, the complement: JAG1 is on the minus strand). VCF-style: chr20-10652549-G-A. GRCh37 (hg19) VCF-style: chr20-10633197-G-A.
Other names: short protein forms P269S.
Identifiers: ClinVar variation 2828247 (VCV002828247.3), dbSNP rs2514521742, ClinGen allele CA408239375.
Genomic context (GRCh38, chr20:10,652,549, plus strand): 5'-CCCAGTTGGTCTCACAGAGGCACTGCCAGGGCTCATTACAGATGCCGTGGACGCATCCCG[G>A]GTGTGGGATGCACTTATCACAGTACAGGCCTTGCCAGCCGTACTGGCACCTGGAGACACA-3'
Protein context (NP_000205.1, residues 259-279): GLYCDKCIPH[Pro269Ser]GCVHGICNEP

ClinVar aggregate classification (germline): Uncertain significance (1 of 4 stars; one submission).

Conditions:
Alagille syndrome due to a JAG1 point mutation. Also called: JAG1-Related Alagille Syndrome; Alagille Syndrome 1; HEPATIC DUCTULAR HYPOPLASIA, SYNDROMATIC. Identifiers: Orphanet 261619, Orphanet 52, MedGen C1956125, MONDO:0016862, OMIM 118450.

Submission:

Labcorp Genetics (formerly Invitae), Labcorp
Classification: Uncertain significance for Alagille syndrome due to a JAG1 point mutation. Last evaluated: 2023-01-13. Review status: criteria provided, single submitter. Criteria: Invitae Variant Classification Sherloc (09022015). Collection method: clinical testing. Allele origin: germline.
Comment: In summary, the available evidence is currently insufficient to determine the role of this variant in disease. Therefore, it has been classified as a Variant of Uncertain Significance. This variant disrupts the p.Pro269 amino acid residue in JAG1. Other variant(s) that disrupt this residue have been determined to be pathogenic (PMID: 12497640; Invitae). This suggests that this residue is clinically significant, and that variants that disrupt this residue are likely to be disease-causing. Experimental studies are conflicting or provide insufficient evidence to determine the effect of this variant on JAG1 function (PMID: 11181574). Advanced modeling of protein sequence and biophysical properties (such as structural, functional, and spatial information, amino acid conservation, physicochemical variation, residue mobility, and thermodynamic stability) performed at Invitae indicates that this missense variant is expected to disrupt JAG1 protein function. This variant has not been reported in the literature in individuals affected with JAG1-related conditions. This variant is not present in population databases (gnomAD no frequency). This sequence change replaces proline, which is neutral and non-polar, with serine, which is neutral and polar, at codon 269 of the JAG1 protein (p.Pro269Ser).

Literature cited by the submitters: PubMed 12497640; PubMed 11181574.